The following is an entry in ClinVar:

ClinVar aggregate classification (germline): Uncertain significance. Review status: criteria provided, multiple submitters, no conflicts (2 of 4 stars). 2 submissions from 2 submitters: Uncertain significance (2). Last evaluated 2024-10-26.

gnomAD v4.1: 12 of 1,598,750 alleles (0.00075%); highest among the groups gnomAD compares: Non-Finnish European, 0.00094%; no homozygotes.

Submissions (2):

Ambry Genetics
Classification: Uncertain significance. Last evaluated: 2024-10-26. Review status: criteria provided, single submitter. Criteria: Ambry Variant Classification Scheme 2023. Collection method: clinical testing. Allele origin: germline.

Labcorp Genetics (formerly Invitae), Labcorp
Classification: Uncertain significance. Last evaluated: 2024-06-22. Review status: criteria provided, single submitter. Criteria: Invitae Variant Classification Sherloc (09022015). Collection method: clinical testing. Allele origin: germline.
Comment: This sequence change replaces arginine, which is basic and polar, with leucine, which is neutral and non-polar, at codon 1076 of the TAOK2 protein (p.Arg1076Leu). This variant is present in population databases (no rsID available, gnomAD 0.004%). This variant has not been reported in the literature in individuals affected with TAOK2-related conditions. ClinVar contains an entry for this variant (Variation ID: 1961432). An algorithm developed to predict the effect of missense changes on protein structure and function (PolyPhen-2) suggests that this variant¬†is likely to be tolerated. In summary, the available evidence is currently insufficient to determine the role of this variant in disease. Therefore, it has been classified as a Variant of Uncertain Significance.

NM_016151.4(TAOK2):c.3227G>T (p.Arg1076Leu)

Gene: TAOK2 (TAO kinase 2; plus strand). Cytogenetic location: 16p11.2.
Variant type: single nucleotide variant.
Coding change: c.3227G>T on transcript NM_016151.4 (MANE Select); coding-DNA position 3227, G replaced by T.
Protein change: p.Arg1076Leu; replaces arginine 1076 with leucine.
Molecular consequence: missense variant. On other transcripts: intron variant (1).
Genome position (GRCh38, 1-based): chr16:29,987,499, G>T. VCF-style: chr16-29987499-G-T. GRCh37 (hg19) VCF-style: chr16-29998820-G-T.
Other names: c.2888G>T, p.Arg963Leu (NM_001252043.2); c.2232+995G>T (NM_004783.4); c.3227G>T (NM_016151.2); short protein forms R963L, R1076L.
Identifiers: ClinVar variation 1961432 (VCV001961432.5), dbSNP rs753157774, ClinGen allele CA395499407.